The following is an entry in ClinVar:

NM_017514.5(PLXNA3):c.3731G>A (p.Arg1244His)

Gene: PLXNA3 (plexin A3; plus strand). Cytogenetic location: Xq28.
Variant type: single nucleotide variant.
Coding change: c.3731G>A on transcript NM_017514.5 (MANE Select); coding-DNA position 3731, G replaced by A.
Protein change: p.Arg1244His; replaces arginine 1244 with histidine.
Molecular consequence: missense variant.
Genome position (GRCh38, 1-based): chrX:154,467,912, G>A. VCF-style: chrX-154467912-G-A. GRCh37 (hg19) VCF-style: chrX-153696255-G-A.
Other names: short protein forms R1244H.
Identifiers: ClinVar variation 4987142 (VCV004987142.1).

ClinVar aggregate classification (germline): Uncertain significance (1 of 4 stars; one submission).

Conditions:
PLXNA3-related disorder. Also called: PLXNA3-related condition.

gnomAD v4.1: 36 of 1,208,595 alleles (0.003%); highest among the groups gnomAD compares: Admixed American, 0.02%; no homozygotes.

Submission:

PreventionGenetics, part of Exact Sciences
Classification: Uncertain significance for PLXNA3-related condition. Last evaluated: 2026-09-25. Review status: criteria provided, single submitter. Criteria: ACMG Guidelines, 2015. Collection method: clinical testing. Allele origin: germline.
Comment: The PLXNA3 c.3731G>A variant is predicted to result in the amino acid substitution p.Arg1244His. To our knowledge, this variant has not been reported in the literature. This variant is reported in 0.029% of alleles in individuals of Latino descent in gnomAD. At this time, the clinical significance of this variant is uncertain due to the absence of conclusive functional and genetic evidence.